The following is an entry in ClinVar:

ClinVar aggregate classification (germline): Conflicting classifications of pathogenicity. Review status: criteria provided, conflicting classifications (1 of 4 stars). 2 submissions from 2 submitters: Likely pathogenic (1); Uncertain significance (1). Last evaluated 2025-12-29.

Allele frequency attached by ClinVar (database versions not stated): gnomAD exomes below 0.00001; ExAC 0.00001.
gnomAD v4.1: 2 of 1,604,604 alleles (0.00012%); highest among the groups gnomAD compares: South Asian, 0.0011%; no homozygotes.

Submissions (2):

Center for Genomic Medicine, Rigshospitalet, Copenhagen University Hospital
Classification: Likely pathogenic. Last evaluated: 2025-12-29. Review status: criteria provided, single submitter. Criteria: ACMG Guidelines, 2015. Collection method: clinical testing. Allele origin: germline.

GeneDx
Classification: Uncertain significance. Last evaluated: 2023-02-24. Review status: criteria provided, single submitter. Criteria: GeneDx Variant Classification Process June 2021. Collection method: clinical testing. Allele origin: germline. Affected: yes.
Comment: Nonsense variant predicted to result in protein truncation or nonsense mediated decay in a gene for which loss of function is a known mechanism of disease; Has not been previously published as pathogenic or benign to our knowledge

Literature cited by the submitters: PubMed 33944996 (cited by Center for Genomic Medicine, Rigshospitalet, Copenhagen University Hospital).

NM_015557.3(CHD5):c.4279C>T (p.Arg1427Ter)

Gene: CHD5 (chromodomain helicase DNA binding protein 5; minus strand). Cytogenetic location: 1p36.31.
Variant type: single nucleotide variant.
Coding change: c.4279C>T on transcript NM_015557.3 (MANE Select); coding-DNA position 4279, C replaced by T.
Protein change: p.Arg1427Ter; replaces arginine 1427 with a stop codon.
Molecular consequence: nonsense.
Genome position (GRCh38, 1-based): chr1:6,125,215, G>A on the plus strand (C>T on the coding strand, the complement: CHD5 is on the minus strand). VCF-style: chr1-6125215-G-A. GRCh37 (hg19) VCF-style: chr1-6185275-G-A.
Other names: short protein forms R1427*.
Identifiers: ClinVar variation 2430654 (VCV002430654.2), dbSNP rs749319838, ClinGen allele CA556215.